The following is an entry in ClinVar:

ClinVar aggregate classification (germline): Likely pathogenic (1 of 4 stars; one submission).

Conditions:
Leber congenital amaurosis (LCA). Also called: Leber's amaurosis. Identifiers: Orphanet 65, MedGen C0339527, MeSH D057130, MONDO:0018998.

Submission:

Natera, Inc.
Classification: Likely pathogenic for Leber congenital amaurosis. Last evaluated: 2024-05-15. Review status: criteria provided, single submitter. Criteria: Natera Variant Classification Schema (03/2026). Collection method: clinical testing. Allele origin: germline.
Comment: The c.6135+1G>C variant in CEP290 is a canonical splice donor site variant predicted to affect pre-mRNA splicing, which may result in an abnormal transcript and altered protein product. This variant is expected to result in nonsense mediated decay, truncation, or a dysfunctional protein product. This variant is rare in the general population with a frequency below the threshold expected for the associated phenotype(s). Given the available evidence, this variant is classified as Likely Pathogenic.

NM_025114.4(CEP290):c.6135+1G>C

Gene: CEP290 (centrosomal protein 290; minus strand). Cytogenetic location: 12q21.32.
Variant type: single nucleotide variant.
Coding change: c.6135+1G>C on transcript NM_025114.4 (MANE Select); the canonical splice donor site of the intron after coding-DNA position 6135, G replaced by C.
Molecular consequence: splice donor variant.
Genome position (GRCh38, 1-based): chr12:88,068,521, C>G on the plus strand (G>C on the coding strand, the complement: CEP290 is on the minus strand). VCF-style: chr12-88068521-C-G. GRCh37 (hg19) VCF-style: chr12-88462298-C-G.
Identifiers: ClinVar variation 4816231 (VCV004816231.1).